The following is an entry in ClinVar:

ClinVar aggregate classification (germline): Uncertain significance (1 of 4 stars; one submission).

Conditions:
Fanconi anemia (FA). Also called: Fanconi's anemia. Identifiers: Orphanet 84, MedGen C0015625, MeSH D005199, MONDO:0019391.

Allele frequency attached by ClinVar (database versions not stated): gnomAD exomes below 0.00001; gnomAD 0.00003; TOPMed 0.00003.

Submission:

Labcorp Genetics (formerly Invitae), Labcorp
Classification: Uncertain significance for Fanconi anemia. Last evaluated: 2022-06-16. Review status: criteria provided, single submitter. Criteria: Invitae Variant Classification Sherloc (09022015). Collection method: clinical testing. Allele origin: germline.
Comment: This sequence change replaces glutamic acid, which is acidic and polar, with glycine, which is neutral and non-polar, at codon 1131 of the FANCI protein (p.Glu1131Gly). This variant is present in population databases (no rsID available, gnomAD 0.004%). This variant has not been reported in the literature in individuals affected with FANCI-related conditions. Algorithms developed to predict the effect of missense changes on protein structure and function are either unavailable or do not agree on the potential impact of this missense change (SIFT: "Deleterious"; PolyPhen-2: "Benign"; Align-GVGD: "Class C0"). In summary, the available evidence is currently insufficient to determine the role of this variant in disease. Therefore, it has been classified as a Variant of Uncertain Significance.

NM_001113378.2(FANCI):c.3392A>G (p.Glu1131Gly)

Gene: FANCI (FA complementation group I; plus strand). Cytogenetic location: 15q26.1.
Variant type: single nucleotide variant.
Coding change: c.3392A>G on transcript NM_001113378.2 (MANE Select); coding-DNA position 3392, A replaced by G.
Protein change: p.Glu1131Gly; replaces glutamic acid 1131 with glycine.
Molecular consequence: missense variant.
Genome position (GRCh38, 1-based): chr15:89,306,049, A>G. VCF-style: chr15-89306049-A-G. GRCh37 (hg19) VCF-style: chr15-89849280-A-G.
Other names: c.3113A>G, p.Glu1038Gly (NM_001376910.1); c.3392A>G, p.Glu1131Gly (NM_001376911.1); c.3212A>G, p.Glu1071Gly (NM_018193.3); short protein forms E1038G, E1071G, E1131G.
Identifiers: ClinVar variation 2191041 (VCV002191041.1), dbSNP rs1049881906, ClinGen allele CA274525974.